The following is an entry in ClinVar:

ClinVar aggregate classification (germline): Conflicting classifications of pathogenicity. Review status: criteria provided, conflicting classifications (1 of 4 stars). 4 submissions from 4 submitters: Uncertain significance (2); Likely benign (2). Last evaluated 2026-03-01.

Conditions:
Inborn genetic diseases. Identifiers: MedGen C0950123, MeSH D030342.

Allele frequency attached by ClinVar (database versions not stated): gnomAD 0.00003 and 0.00004; TOPMed 0.00003; ExAC 0.00004; gnomAD exomes 0.00005 and 0.00009.
gnomAD v4.1: 130 of 1,614,046 alleles (0.0081%); highest among the groups gnomAD compares: East Asian, 0.016%; no homozygotes.

Submissions (4):

CeGaT Center for Human Genetics Tuebingen
Classification: Likely benign. Last evaluated: 2026-03-01. Review status: criteria provided, single submitter. Criteria: CeGaT Center For Human Genetics Tuebingen Variant Classification Criteria Version 2. Collection method: clinical testing. Allele origin: germline. Affected: yes. Observed: 2 variant alleles.
Comment: SPTBN2: BP4

Women's Health and Genetics/Laboratory Corporation of America, LabCorp
Classification: Uncertain significance. Last evaluated: 2025-09-09. Review status: criteria provided, single submitter. Criteria: LabCorp Variant Classification Summary - May 2015. Collection method: clinical testing. Allele origin: germline.
Comment: Variant summary: SPTBN2 c.4396G>A (p.Val1466Met) results in a conservative amino acid change in the encoded protein sequence. Algorithms developed to predict the effect of missense changes on protein structure and function are either unavailable or do not agree on the potential impact of this missense change. The variant allele was found at a frequency of 4.8e-05 in 251300 control chromosomes. This frequency is not significantly higher than estimated for disease-causing variants in SPTBN2, allowing no conclusion about variant significance. c.4396G>A has been reported in the literature as a VUS in at least one individual affected with Amyotrophic lateral sclerosis (e.g.Tripolski_2019). This report does not provide unequivocal conclusions about association of the variant with Spinocerebellar Ataxia 5. To our knowledge, no experimental evidence demonstrating an impact on protein function has been reported. The following publication has been ascertained in the context of this evaluation (PMID: 31475037). ClinVar contains an entry for this variant (Variation ID: 1004208). Based on the evidence outlined above, the variant was classified as uncertain significance.

Labcorp Genetics (formerly Invitae), Labcorp
Classification: Likely benign. Last evaluated: 2024-10-29. Review status: criteria provided, single submitter. Criteria: Invitae Variant Classification Sherloc (09022015). Collection method: clinical testing. Allele origin: germline.

Ambry Genetics
Classification: Uncertain significance for Inborn genetic diseases. Last evaluated: 2024-09-26. Review status: criteria provided, single submitter. Criteria: Ambry Variant Classification Scheme 2023. Collection method: clinical testing. Allele origin: germline.

Literature cited by the submitters: PubMed 31475037 (cited by Women's Health and Genetics/Laboratory Corporation of America, LabCorp).

NM_006946.4(SPTBN2):c.4396G>A (p.Val1466Met)

Gene: SPTBN2 (spectrin beta, non-erythrocytic 2; minus strand). Cytogenetic location: 11q13.2.
Variant type: single nucleotide variant.
Coding change: c.4396G>A on transcript NM_006946.4 (MANE Select); coding-DNA position 4396, G replaced by A.
Protein change: p.Val1466Met; replaces valine 1466 with methionine.
Molecular consequence: missense variant.
Genome position (GRCh38, 1-based): chr11:66,694,246, C>T on the plus strand (G>A on the coding strand, the complement: SPTBN2 is on the minus strand). VCF-style: chr11-66694246-C-T. GRCh37 (hg19) VCF-style: chr11-66461717-C-T.
Other names: c.4396G>A (NM_006946.2); short protein forms V1466M.
Identifiers: ClinVar variation 1004208 (VCV001004208.31), dbSNP rs763193925, ClinGen allele CA6128598.